The following is an entry in ClinVar:

ClinVar aggregate classification (germline): Likely benign. Review status: criteria provided, multiple submitters, no conflicts (2 of 4 stars). 4 submissions from 4 submitters: Likely benign (4). Last evaluated 2026-08-01.

Conditions:
Hyperaldosteronism, familial, type IV (HALD4). Also called: FH IV; ALDOSTERONISM, PRIMARY, AND HYPERTENSION. Identifiers: Orphanet 642671, MedGen C4310756, MONDO:0014875, OMIM 617027.
Idiopathic generalized epilepsy. Also called: Generalised epilepsy; EIG. Identifiers: MedGen C0270850, MONDO:0005579, OMIM 600669.
Epilepsy, childhood absence, susceptibility to, 6. Identifiers: Orphanet 64280, MedGen C2749872, MONDO:0012763, OMIM 611942.

Allele frequency attached by ClinVar (database versions not stated): ExAC 0.00004; gnomAD 0.00005; TOPMed 0.00007; gnomAD exomes 0.00008.
gnomAD v4.1: 224 of 1,612,976 alleles (0.014%); highest among the groups gnomAD compares: Non-Finnish European, 0.017%; no homozygotes.

Submissions (4):

CeGaT Center for Human Genetics Tuebingen
Classification: Likely benign. Last evaluated: 2026-08-01. Review status: criteria provided, single submitter. Criteria: CeGaT Center For Human Genetics Tuebingen Variant Classification Criteria Version 2. Collection method: clinical testing. Allele origin: germline. Affected: yes. Observed: 1 variant allele.
Comment: CACNA1H: BP4, BP7

Labcorp Genetics (formerly Invitae), Labcorp
Classification: Likely benign for Idiopathic generalized epilepsy; Hyperaldosteronism, familial, type IV. Last evaluated: 2025-05-27. Review status: criteria provided, single submitter. Criteria: Invitae Variant Classification Sherloc (09022015). Collection method: clinical testing. Allele origin: germline.

Blueprint Genetics
Classification: Likely benign. Last evaluated: 2024-03-19. Review status: criteria provided, single submitter. Criteria: ACMG Guidelines, 2015. Collection method: clinical testing. Allele origin: germline.

Fulgent Genetics
Classification: Likely benign for Epilepsy, childhood absence, susceptibility to, 6; Hyperaldosteronism, familial, type IV. Last evaluated: 2022-04-23. Review status: criteria provided, single submitter. Criteria: ACMG Guidelines, 2015. Collection method: clinical testing. Allele origin: unknown.

NM_021098.3(CACNA1H):c.576C>T (p.Asn192=)

Gene: CACNA1H (calcium voltage-gated channel subunit alpha1 H; plus strand). Cytogenetic location: 16p13.3.
Variant type: single nucleotide variant.
Coding change: c.576C>T on transcript NM_021098.3 (MANE Select); coding-DNA position 576, C replaced by T.
Protein change: p.Asn192=; no amino-acid change (asparagine 192 retained).
Molecular consequence: synonymous variant.
Genome position (GRCh38, 1-based): chr16:1,195,956, C>T. VCF-style: chr16-1195956-C-T. GRCh37 (hg19) VCF-style: chr16-1245956-C-T.
Other names: c.576C>T, p.Asn192= (NM_001005407.2).
Identifiers: ClinVar variation 730761 (VCV000730761.10), dbSNP rs754501360, ClinGen allele CA7799498.